The following is an entry in ClinVar:

NM_004525.3(LRP2):c.7268C>A (p.Ser2423Tyr)

Gene: LRP2 (LDL receptor related protein 2; minus strand). Cytogenetic location: 2q31.1.
Variant type: single nucleotide variant.
Coding change: c.7268C>A on transcript NM_004525.3 (MANE Select); coding-DNA position 7268, C replaced by A.
Protein change: p.Ser2423Tyr; replaces serine 2423 with tyrosine.
Molecular consequence: missense variant.
Genome position (GRCh38, 1-based): chr2:169,206,452, G>T on the plus strand (C>A on the coding strand, the complement: LRP2 is on the minus strand). VCF-style: chr2-169206452-G-T. GRCh37 (hg19) VCF-style: chr2-170062962-G-T.
Other names: c.7268C>A (NM_004525.2); short protein forms S2423Y.
Identifiers: ClinVar variation 1478253 (VCV001478253.4), dbSNP rs866984399, ClinGen allele CA349171180.

ClinVar aggregate classification (germline): Uncertain significance. Review status: criteria provided, multiple submitters, no conflicts (2 of 4 stars). 2 submissions from 2 submitters: Uncertain significance (2). Last evaluated 2025-05-27.

Conditions:
Inborn genetic diseases. Identifiers: MedGen C0950123, MeSH D030342.

Allele frequency attached by ClinVar (database versions not stated): TOPMed below 0.00001.

Submissions (2):

Ambry Genetics
Classification: Uncertain significance for Inborn genetic diseases. Last evaluated: 2025-05-27. Review status: criteria provided, single submitter. Criteria: Ambry Variant Classification Scheme 2023. Collection method: clinical testing. Allele origin: germline.

Labcorp Genetics (formerly Invitae), Labcorp
Classification: Uncertain significance. Last evaluated: 2021-08-19. Review status: criteria provided, single submitter. Criteria: Invitae Variant Classification Sherloc (09022015). Collection method: clinical testing. Allele origin: germline.
Comment: This sequence change replaces serine with tyrosine at codon 2423 of the LRP2 protein (p.Ser2423Tyr). The serine residue is weakly conserved and there is a large physicochemical difference between serine and tyrosine. This variant is not present in population databases (ExAC no frequency). This variant has not been reported in the literature in individuals affected with LRP2-related conditions. Algorithms developed to predict the effect of missense changes on protein structure and function are either unavailable or do not agree on the potential impact of this missense change (SIFT: "Deleterious"; PolyPhen-2: "Benign"; Align-GVGD: "Class C15"). In summary, the available evidence is currently insufficient to determine the role of this variant in disease. Therefore, it has been classified as a Variant of Uncertain Significance.